The following is an entry in ClinVar:

ClinVar aggregate classification (germline): Uncertain significance (1 of 4 stars; one submission).

Conditions:
Hereditary cancer-predisposing syndrome. Also called: Hereditary Cancer Syndrome; Hereditary neoplastic syndrome; Tumor predisposition; Neoplastic Syndromes, Hereditary. Identifiers: Orphanet 140162, MedGen C0027672, MeSH D009386, MONDO:0015356.
Cardiovascular phenotype. Identifiers: MedGen CN230736.

Submission:

Ambry Genetics
Classification: Uncertain significance for Cardiovascular phenotype; Hereditary cancer-predisposing syndrome. Last evaluated: 2024-09-05. Review status: criteria provided, single submitter. Criteria: Ambry Variant Classification Scheme 2023. Collection method: clinical testing. Allele origin: germline.
Comment: The p.H430N variant (also known as c.1288C>A), located in coding exon 12 of the LZTR1 gene, results from a C to A substitution at nucleotide position 1288. The histidine at codon 430 is replaced by asparagine, an amino acid with similar properties. This amino acid position is conserved. In addition, the in silico prediction for this alteration is inconclusive. Based on the available evidence, the clinical significance of this variant remains unclear.

NM_006767.4(LZTR1):c.1288C>A (p.His430Asn)

Gene: LZTR1 (leucine zipper like post translational regulator 1; plus strand). Cytogenetic location: 22q11.21.
Variant type: single nucleotide variant.
Coding change: c.1288C>A on transcript NM_006767.4 (MANE Select); coding-DNA position 1288, C replaced by A.
Protein change: p.His430Asn; replaces histidine 430 with asparagine.
Molecular consequence: missense variant.
Genome position (GRCh38, 1-based): chr22:20,993,689, C>A. VCF-style: chr22-20993689-C-A. GRCh37 (hg19) VCF-style: chr22-21347978-C-A.
Other names: short protein forms H430N.
Identifiers: ClinVar variation 3541520 (VCV003541520.1).